The following is an entry in ClinVar:

NM_000202.8(IDS):c.369_372del (p.Phe123fs)

Gene: IDS (iduronate 2-sulfatase; minus strand). Cytogenetic location: Xq28.
Variant type: Deletion.
Coding change: c.369_372del on transcript NM_000202.8 (MANE Select); coding-DNA positions 369 to 372, 4 bases deleted (CAAG; older notation c.369_372delCAAG).
Protein change: p.Phe123fs; shifts the reading frame from phenylalanine 123.
Molecular consequence: frameshift variant. On other transcripts: non-coding transcript variant (1).
Genome position (GRCh38, 1-based): chrX:149,503,358-149,503,361, CTTG deleted on the plus strand (CAAG on the coding strand, the reverse complement: IDS is on the minus strand). VCF-style (leftmost placement, unchanged base first): chrX-149503357-CCTTG-C. GRCh37 (hg19) VCF-style: chrX-148584887-CCTTG-C.
Other names: c.99_102del, p.Phe33fs (NM_001166550.4); c.369_372del, p.Phe123fs (NM_006123.5); short protein forms F123fs, F33fs.
Identifiers: ClinVar variation 1724854 (VCV001724854.2), dbSNP rs2520895663, ClinGen allele CA2580101644.

ClinVar aggregate classification (germline): Likely pathogenic (1 of 4 stars; one submission).

Conditions:
Mucopolysaccharidosis, MPS-II (MPS2). Also called: Mucopolysaccharidosis type 2; IDS deficiency; Sulfoiduronate sulfatase deficiency; SIDS deficiency; Attenuated MPS (subtype; formerly known as mild MPS II); Severe MPS II. Identifiers: Orphanet 580, Orphanet 79388, MedGen C0026705, MONDO:0010674, OMIM 309900.

Submission:

Myriad Genetics, Inc.
Classification: Likely pathogenic for Mucopolysaccharidosis, MPS-II. Last evaluated: 2022-03-02. Review status: criteria provided, single submitter. Criteria: Myriad Women's Health Autosomal Recessive and X-Linked Classification Criteria (2021). Collection method: clinical testing. Allele origin: unknown.
Comment: NM_000202.5(IDS):c.369_372delCAAG(F123Lfs*6) is expected to be pathogenic in the context of mucopolysaccharidosis type II. This variant is predicted to lead to an abnormal or absent protein product due to the creation of a premature termination codon in IDS, a gene where loss-of-function variants are known to be pathogenic. Please note: this variant was assessed in the context of healthy population screening.